The following is an entry in ClinVar:

NM_001370100.5(ZMYND11):c.1072C>T (p.Arg358Ter)

Gene: ZMYND11 (zinc finger MYND-type containing 11; plus strand). Cytogenetic location: 10p15.3.
Variant type: single nucleotide variant.
Coding change: c.1072C>T on transcript NM_001370100.5 (MANE Select); coding-DNA position 1072, C replaced by T.
Protein change: p.Arg358Ter; replaces arginine 358 with a stop codon.
Molecular consequence: nonsense. On other transcripts: non-coding transcript variant (1).
Genome position (GRCh38, 1-based): chr10:246,887, C>T. VCF-style: chr10-246887-C-T. GRCh37 (hg19) VCF-style: chr10-292827-C-T.
Other names: c.910C>T, p.Arg304Ter (NM_001202464.3, NM_001202467.1, NM_001370103.2 and 6 more transcripts); c.817C>T, p.Arg273Ter (NM_001202465.3, NM_001370110.2); c.907C>T, p.Arg303Ter (NM_001202466.3, NM_001370111.2); c.1072C>T, p.Arg358Ter (NM_001202468.1, NM_001370097.3, NM_001370098.2 and 5 more transcripts); c.1021C>T, p.Arg341Ter (NM_001330057.3, NM_001370112.2); c.766C>T, p.Arg256Ter (NM_001370122.2); c.715C>T, p.Arg239Ter (NM_001370123.2); c.601C>T, p.Arg201Ter (NM_001370124.3); and 7 more; short protein forms R358*, R201*, R239*, R256*, R318*, R327*, R336*, R282*.
Identifiers: ClinVar variation 520843 (VCV000520843.46), dbSNP rs1554792556, ClinGen allele CA375820035.
Genomic context (GRCh38, chr10:246,887, plus strand): 5'-AAGCGCAGTATGGGTTGGAAAAAGGCCTGTGATGAGCTGGAGCTGCATCAGCGTTTCCTA[C>T]GAGAAGGGAGATTTTGGAAATCTAAGAATGAGGACCGAGGTGAGGAAGAGGCAGAATCCA-3'

ClinVar aggregate classification (germline): Pathogenic/Likely pathogenic. Review status: criteria provided, multiple submitters, no conflicts (2 of 4 stars). 5 submissions from 5 submitters: Pathogenic (4); Likely pathogenic (1). Last evaluated 2025-08-19.

Conditions:
Inborn genetic diseases. Identifiers: MedGen C0950123, MeSH D030342.
ZMYND11-related disorder. Also called: ZMYND11-related condition.
Intellectual developmental disorder, autosomal dominant 30, with speech delay and behavioral abnormalities. Also called: Intellectual disability, autosomal dominant 30. Identifiers: Orphanet 436151, MedGen C4015167, MONDO:0014486, OMIM 616083.

Submissions (5):

Ambry Genetics
Classification: Pathogenic for Inborn genetic diseases. Last evaluated: 2025-08-19. Review status: criteria provided, single submitter. Criteria: Ambry Variant Classification Scheme 2023. Collection method: clinical testing. Allele origin: germline.
Comment: The c.1072C>T (p.R358*) alteration, located in exon 11 (coding exon 10) of the ZMYND11 gene, consists of a C to T substitution at nucleotide position 1072. This changes the amino acid from an arginine (R) to a stop codon at amino acid position 358. This alteration is expected to result in loss of function by premature protein truncation or nonsense-mediated mRNA decay. This variant was not reported in population-based cohorts in the Genome Aggregation Database (gnomAD). This variant segregated with disease in at least one family with features consistent with ZMYND11-related neurodevelopmental disorder (Ziats, 2020; Ambry internal data). Based on the available evidence, this alteration is classified as pathogenic.

GeneDx
Classification: Pathogenic. Last evaluated: 2024-08-09. Review status: criteria provided, single submitter. Criteria: GeneDx Variant Classification Process June 2021. Collection method: clinical testing. Allele origin: germline. Affected: yes.
Comment: Reported previously as a maternally inherited variant in a child with ZMYND11-related cognitive impairment (PMID: 31618753); Nonsense variant predicted to result in protein truncation or nonsense mediated decay in a gene for which loss of function is a known mechanism of disease; Not observed at significant frequency in large population cohorts (gnomAD); This variant is associated with the following publications: (PMID: 34216016, 31618753)

Blueprint Genetics
Classification: Likely pathogenic for ZMYND11-related disorders. Last evaluated: 2024-02-06. Review status: criteria provided, single submitter. Criteria: ACMG Guidelines, 2015. Collection method: clinical testing. Allele origin: germline. Affected: yes. Observed: 1 variant allele.

Institute for Medical Genetics and Human Genetics, Charité - Universitätsmedizin Berlin
Classification: Pathogenic for Intellectual developmental disorder, autosomal dominant 30, with speech delay and behavioral abnormalities. Last evaluated: 2022-09-22. Review status: criteria provided, single submitter. Criteria: ACMG Guidelines, 2015. Collection method: clinical testing. Allele origin: germline. Inheritance: Autosomal dominant inheritance. Affected: yes. Observed: 1 heterozygote.

CeGaT Center for Human Genetics Tuebingen
Classification: Pathogenic. Last evaluated: 2020-12-01. Review status: criteria provided, single submitter. Criteria: CeGaT Center For Human Genetics Tuebingen Variant Classification Criteria Version 2. Collection method: clinical testing. Allele origin: germline. Affected: yes. Observed: 1 variant allele.

Literature cited by the submitters: PubMed 31618753 (cited by Ambry Genetics).